The following is an entry in ClinVar:

ClinVar aggregate classification (germline): Pathogenic (1 of 4 stars; one submission).

Submission:

Labcorp Genetics (formerly Invitae), Labcorp
Classification: Pathogenic. Last evaluated: 2023-12-14. Review status: criteria provided, single submitter. Criteria: Invitae Variant Classification Sherloc (09022015). Collection method: clinical testing. Allele origin: germline.
Comment: This sequence change creates a premature translational stop signal (p.Arg163Glyfs*20) in the TSEN54 gene. It is expected to result in an absent or disrupted protein product. Loss-of-function variants in TSEN54 are known to be pathogenic (PMID: 18711368, 20952379). This variant is not present in population databases (gnomAD no frequency). This variant has not been reported in the literature in individuals affected with TSEN54-related conditions. For these reasons, this variant has been classified as Pathogenic.

Literature cited by the submitters: PubMed 18711368; PubMed 20952379.

NM_207346.3(TSEN54):c.486_487insGGAG (p.Arg163fs)

Gene: TSEN54 (tRNA splicing endonuclease subunit 54; plus strand). Cytogenetic location: 17q25.1.
Variant type: Insertion.
Coding change: c.486_487insGGAG on transcript NM_207346.3 (MANE Select); coding-DNA positions 486 to 487, GGAG inserted.
Protein change: p.Arg163fs; shifts the reading frame from arginine 163.
Molecular consequence: frameshift variant.
Genome position: GRCh38 VCF-style: chr17-75519010-A-AAGGG. GRCh37 (hg19) VCF-style: chr17-73515091-A-AAGGG.
Other names: short protein forms R163fs.
Identifiers: ClinVar variation 2703247 (VCV002703247.3), dbSNP rs2546154073, ClinGen allele CA2697555125.